The following is an entry in ClinVar:

NM_020693.4(DSCAML1):c.2628C>G (p.Asp876Glu)

Gene: DSCAML1 (DS cell adhesion molecule like 1; minus strand). Cytogenetic location: 11q23.3.
Variant type: single nucleotide variant.
Coding change: c.2628C>G on transcript NM_020693.4 (MANE Select); coding-DNA position 2628, C replaced by G.
Protein change: p.Asp876Glu; replaces aspartic acid 876 with glutamic acid.
Molecular consequence: missense variant.
Genome position (GRCh38, 1-based): chr11:117,481,202, G>C on the plus strand (C>G on the coding strand, the complement: DSCAML1 is on the minus strand). VCF-style: chr11-117481202-G-C. GRCh37 (hg19) VCF-style: chr11-117351917-G-C.
Other names: c.2628C>G, p.Asp876Glu (NM_001367904.1); short protein forms D876E.
Identifiers: ClinVar variation 1360179 (VCV001360179.6), dbSNP rs896663006, ClinGen allele CA229386437.

ClinVar aggregate classification (germline): Uncertain significance (1 of 4 stars; one submission).

Allele frequency attached by ClinVar (database versions not stated): gnomAD exomes below 0.00001; TOPMed below 0.00001.
gnomAD v4.1: 5 of 1,613,898 alleles (0.00031%); highest among the groups gnomAD compares: East Asian, 0.0022%; no homozygotes.

Submission:

Labcorp Genetics (formerly Invitae), Labcorp
Classification: Uncertain significance. Last evaluated: 2025-03-12. Review status: criteria provided, single submitter. Criteria: Invitae Variant Classification Sherloc (09022015). Collection method: clinical testing. Allele origin: germline.
Comment: This sequence change replaces aspartic acid, which is acidic and polar, with glutamic acid, which is acidic and polar, at codon 936 of the DSCAML1 protein (p.Asp936Glu). This variant is present in population databases (no rsID available, gnomAD 0.006%). This variant has not been reported in the literature in individuals affected with DSCAML1-related conditions. ClinVar contains an entry for this variant (Variation ID: 1360179). An algorithm developed to predict the effect of missense changes on protein structure and function (PolyPhen-2) suggests that this variant is likely to be tolerated. In summary, the available evidence is currently insufficient to determine the role of this variant in disease. Therefore, it has been classified as a Variant of Uncertain Significance.